The following is an entry in ClinVar:

ClinVar aggregate classification (germline): Uncertain significance (1 of 4 stars; one submission).

Submission:

GeneDx
Classification: Uncertain significance. Last evaluated: 2025-01-16. Review status: criteria provided, single submitter. Criteria: GeneDx Variant Classification Process June 2021. Collection method: clinical testing. Allele origin: germline. Affected: yes.
Comment: Not observed at significant frequency in large population cohorts (gnomAD); In silico analysis supports that this missense variant has a deleterious effect on protein structure/function; Has not been previously published as pathogenic or benign to our knowledge; Located in one of the three hot-spot regions of the RYR2 gene, where the majority of pathogenic missense variants occur (PMID: 19926015); This variant is associated with the following publications: (PMID: 19926015)

NM_001035.3(RYR2):c.14390A>C (p.Glu4797Ala)

Gene: RYR2 (ryanodine receptor 2; plus strand). Cytogenetic location: 1q43.
Variant type: single nucleotide variant.
Coding change: c.14390A>C on transcript NM_001035.3 (MANE Select); coding-DNA position 14390, A replaced by C.
Protein change: p.Glu4797Ala; replaces glutamic acid 4797 with alanine.
Molecular consequence: missense variant.
Genome position (GRCh38, 1-based): chr1:237,808,992, A>C. VCF-style: chr1-237808992-A-C. GRCh37 (hg19) VCF-style: chr1-237972292-A-C.
Other names: short protein forms E4797A.
Identifiers: ClinVar variation 4071643 (VCV004071643.1).